The following is an entry in ClinVar:

NM_001135649.3(FOXI3):c.989C>G (p.Thr330Ser)

Gene: FOXI3 (forkhead box I3; minus strand). Cytogenetic location: 2p11.2.
Variant type: single nucleotide variant.
Coding change: c.989C>G on transcript NM_001135649.3 (MANE Select); coding-DNA position 989, C replaced by G.
Protein change: p.Thr330Ser; replaces threonine 330 with serine.
Molecular consequence: missense variant.
Genome position (GRCh38, 1-based): chr2:88,448,481, G>C on the plus strand (C>G on the coding strand, the complement: FOXI3 is on the minus strand). VCF-style: chr2-88448481-G-C. GRCh37 (hg19) VCF-style: chr2-88748000-G-C.
Other names: short protein forms T330S.
Identifiers: ClinVar variation 3677995 (VCV003677995.2).

ClinVar aggregate classification (germline): Uncertain significance (1 of 4 stars; one submission).

Submission:

Labcorp Genetics (formerly Invitae), Labcorp
Classification: Uncertain significance. Last evaluated: 2025-01-25. Review status: criteria provided, single submitter. Criteria: Invitae Variant Classification Sherloc (09022015). Collection method: clinical testing. Allele origin: germline.
Comment: This sequence change replaces threonine, which is neutral and polar, with serine, which is neutral and polar, at codon 330 of the FOXI3 protein (p.Thr330Ser). This variant is not present in population databases (gnomAD no frequency). This variant has not been reported in the literature in individuals affected with FOXI3-related conditions. An algorithm developed to predict the effect of missense changes on protein structure and function outputs the following: PolyPhen-2: "Not Available". The serine amino acid residue is found in multiple mammalian species, which suggests that this missense change does not adversely affect protein function. In summary, the available evidence is currently insufficient to determine the role of this variant in disease. Therefore, it has been classified as a Variant of Uncertain Significance.